The following is an entry in ClinVar:

ClinVar aggregate classification (germline): Uncertain significance (1 of 4 stars; one submission).

Submission:

GeneDx
Classification: Uncertain significance. Last evaluated: 2022-11-28. Review status: criteria provided, single submitter. Criteria: GeneDx Variant Classification Process June 2021. Collection method: clinical testing. Allele origin: germline. Affected: yes.
Comment: Not observed at significant frequency in large population cohorts (gnomAD); In silico analysis supports that this missense variant does not alter protein structure/function; Has not been previously published as pathogenic or benign to our knowledge

NM_005257.6(GATA6):c.696C>G (p.Ser232Arg)

Gene: GATA6 (GATA binding protein 6; plus strand). Cytogenetic location: 18q11.2.
Variant type: single nucleotide variant.
Coding change: c.696C>G on transcript NM_005257.6 (MANE Select); coding-DNA position 696, C replaced by G.
Protein change: p.Ser232Arg; replaces serine 232 with arginine.
Molecular consequence: missense variant.
Genome position (GRCh38, 1-based): chr18:22,171,840, C>G. VCF-style: chr18-22171840-C-G. GRCh37 (hg19) VCF-style: chr18-19751801-C-G.
Other names: short protein forms S232R.
Identifiers: ClinVar variation 2503143 (VCV002503143.1), dbSNP rs2510626128, ClinGen allele CA401800517.